The following is an entry in ClinVar:

ClinVar aggregate classification (germline): Likely benign (1 of 4 stars; one submission).

Conditions:
Arrhythmogenic cardiomyopathy with wooly hair and keratoderma. Also called: PALMOPLANTAR KERATODERMA WITH LEFT VENTRICULAR CARDIOMYOPATHY AND WOOLLY HAIR; Carvajal syndrome; Dilated cardiomyopathy with woolly hair and keratoderma; Arrhythmogenic cardiomyopathy with woolly hair and keratoderma. Identifiers: Orphanet 65282, MedGen C1854063, MONDO:0011581, OMIM 605676.

Allele frequency attached by ClinVar (database versions not stated): ExAC 0.00001; gnomAD exomes 0.00001.
gnomAD v4.1: 4 of 1,614,162 alleles (0.00025%); highest among the groups gnomAD compares: Non-Finnish European, 0.00034%; no homozygotes.

Submission:

All of Us Research Program, National Institutes of Health
Classification: Likely benign for Arrhythmogenic cardiomyopathy with wooly hair and keratoderma. Last evaluated: 2023-12-13. Review status: criteria provided, single submitter. Criteria: ACMG Guidelines, 2015. Collection method: clinical testing. Allele origin: germline. Inheritance: Autosomal dominant inheritance. Observed: 3 variant alleles, 3 heterozygotes.
Comment: This study involves interpretation of variants in research participants for the purpose of population health screening. Participant phenotype was not available at the time of variant classification. Additional details can be found in publication PMID: 35346344, PMCID: PMC8962531

NM_004415.4(DSP):c.1761C>T (p.Tyr587=)

Gene: DSP (desmoplakin; plus strand). Cytogenetic location: 6p24.3.
Variant type: single nucleotide variant.
Coding change: c.1761C>T on transcript NM_004415.4 (MANE Select); coding-DNA position 1761, C replaced by T.
Protein change: p.Tyr587=; no amino-acid change (tyrosine 587 retained).
Molecular consequence: synonymous variant.
Genome position (GRCh38, 1-based): chr6:7,571,442, C>T. VCF-style: chr6-7571442-C-T. GRCh37 (hg19) VCF-style: chr6-7571675-C-T.
Other names: c.1761C>T, p.Tyr587= (NM_001008844.3, NM_001319034.2).
Identifiers: ClinVar variation 3071659 (VCV003071659.1), dbSNP rs749703291, ClinGen allele CA030014.
Genomic context (GRCh38, chr6:7,571,442, plus strand): 5'-GCTGAAAACAATGCGGCAGGAAGATTACATGAAGACGATAGCCGACCTTGAGTTACATTA[C>T]CAAGAGTTCATCAGAAATAGCCAAGGCTCAGAGATGTTTGGAGATGATGACAAGCGGAAA-3'
Protein context (NP_004406.2, residues 577-597): MKTIADLELH[Tyr587=]QEFIRNSQGS